The following is an entry in ClinVar:

NM_001035.3(RYR2):c.5321A>T (p.Glu1774Val)

Gene: RYR2 (ryanodine receptor 2; plus strand). Cytogenetic location: 1q43.
Variant type: single nucleotide variant.
Coding change: c.5321A>T on transcript NM_001035.3 (MANE Select); coding-DNA position 5321, A replaced by T.
Protein change: p.Glu1774Val; replaces glutamic acid 1774 with valine.
Molecular consequence: missense variant.
Genome position (GRCh38, 1-based): chr1:237,614,449, A>T. VCF-style: chr1-237614449-A-T. GRCh37 (hg19) VCF-style: chr1-237777749-A-T.
Other names: c.5321A>T (NM_001035.2); short protein forms E1774V.
Identifiers: ClinVar variation 1962274 (VCV001962274.6), dbSNP rs2546794173, ClinGen allele CA345404775.

ClinVar aggregate classification (germline): Uncertain significance. Review status: criteria provided, multiple submitters, no conflicts (2 of 4 stars). 2 submissions from 2 submitters: Uncertain significance (2). Last evaluated 2024-05-09.

Conditions:
Catecholaminergic polymorphic ventricular tachycardia 1. Also called: VENTRICULAR TACHYCARDIA, CATECHOLAMINERGIC POLYMORPHIC, 1, WITH OR WITHOUT ATRIAL DYSFUNCTION AND/OR DILATED CARDIOMYOPATHY; VENTRICULAR TACHYCARDIA, STRESS-INDUCED POLYMORPHIC 1; RYR2-Related Catecholaminergic Polymorphic Ventricular Tachycardia. Identifiers: Orphanet 3286, MedGen C1631597, MONDO:0011484, OMIM 604772.

Submissions (2):

Labcorp Genetics (formerly Invitae), Labcorp
Classification: Uncertain significance for Catecholaminergic polymorphic ventricular tachycardia 1. Last evaluated: 2024-05-09. Review status: criteria provided, single submitter. Criteria: Invitae Variant Classification Sherloc (09022015). Collection method: clinical testing. Allele origin: germline.
Comment: This sequence change replaces glutamic acid, which is acidic and polar, with valine, which is neutral and non-polar, at codon 1774 of the RYR2 protein (p.Glu1774Val). This variant is not present in population databases (gnomAD no frequency). This variant has not been reported in the literature in individuals affected with RYR2-related conditions. ClinVar contains an entry for this variant (Variation ID: 1962274). Advanced modeling of protein sequence and biophysical properties (such as structural, functional, and spatial information, amino acid conservation, physicochemical variation, residue mobility, and thermodynamic stability) performed at Invitae indicates that this missense variant is not expected to disrupt RYR2 protein function with a negative predictive value of 95%. In summary, the available evidence is currently insufficient to determine the role of this variant in disease. Therefore, it has been classified as a Variant of Uncertain Significance.

GeneDx
Classification: Uncertain significance. Last evaluated: 2022-10-14. Review status: criteria provided, single submitter. Criteria: GeneDx Variant Classification Process June 2021. Collection method: clinical testing. Allele origin: germline. Affected: yes.
Comment: Not observed at significant frequency in large population cohorts (gnomAD); In silico analysis supports that this missense variant has a deleterious effect on protein structure/function; Has not been previously published as pathogenic or benign to our knowledge; Not located in one of the three hot-spot regions of the RYR2 gene, where the majority of pathogenic missense variants occur (Medeiros-Domingo et al., 2009); This variant is associated with the following publications: (PMID: 19926015)